The following is an entry in ClinVar:

ClinVar aggregate classification (germline): Uncertain significance (1 of 4 stars; one submission).

Submission:

Labcorp Genetics (formerly Invitae), Labcorp
Classification: Uncertain significance. Last evaluated: 2025-03-31. Review status: criteria provided, single submitter. Criteria: Invitae Variant Classification Sherloc (09022015). Collection method: clinical testing. Allele origin: germline.
Comment: This variant, c.59_76dup, results in the insertion of 6 amino acid(s) of the MACF1 protein (p.Cys20_Ser25dup), but otherwise preserves the integrity of the reading frame. This variant is present in population databases (rs751392944, gnomAD 0.003%). This variant has not been reported in the literature in individuals affected with MACF1-related conditions. Experimental studies and prediction algorithms are not available or were not evaluated, and the functional significance of this variant is currently unknown. In summary, the available evidence is currently insufficient to determine the role of this variant in disease. Therefore, it has been classified as a Variant of Uncertain Significance.

NM_012090.5(MACF1):c.59_76dup (p.Ser25_Tyr26insCysArgSerGluArgSer)

Gene: MACF1 (microtubule actin crosslinking factor 1; plus strand). Cytogenetic location: 1p34.3.
Variant type: Duplication.
Coding change: c.59_76dup on transcript NM_012090.5; coding-DNA positions 59 to 76, 18 bases duplicated (GTCGGAGTGAGCGATCTT).
Protein change: p.Ser25_Tyr26insCysArgSerGluArgSer.
Molecular consequence: inframe insertion.
Genome position (GRCh38, 1-based): chr1:39,084,277-39,084,294, GTCGGAGTGAGCGATCTT duplicated; duplicating any 18 consecutive bases within chr1:39,084,273-39,084,294 gives the same sequence; the c. name uses the placement nearest the transcript's 3' end. VCF-style (leftmost placement, unchanged base first): chr1-39084272-G-GTCTTGTCGGAGTGAGCGA. GRCh37 (hg19) VCF-style: chr1-39549944-G-GTCTTGTCGGAGTGAGCGA.
Identifiers: ClinVar variation 3699317 (VCV003699317.2).